The following is an entry in ClinVar:

ClinVar aggregate classification (germline): Uncertain significance. Review status: criteria provided, multiple submitters, no conflicts (2 of 4 stars). 2 submissions from 2 submitters: Uncertain significance (2). Last evaluated 2025-04-29.

Submissions (2):

Ambry Genetics
Classification: Uncertain significance. Last evaluated: 2025-04-29. Review status: criteria provided, single submitter. Criteria: Ambry Variant Classification Scheme 2023. Collection method: clinical testing. Allele origin: germline.

Labcorp Genetics (formerly Invitae), Labcorp
Classification: Uncertain significance. Last evaluated: 2022-04-07. Review status: criteria provided, single submitter. Criteria: Invitae Variant Classification Sherloc (09022015). Collection method: clinical testing. Allele origin: germline.
Comment: In summary, the available evidence is currently insufficient to determine the role of this variant in disease. Therefore, it has been classified as a Variant of Uncertain Significance. Algorithms developed to predict the effect of missense changes on protein structure and function (SIFT, PolyPhen-2, Align-GVGD) all suggest that this variant is likely to be tolerated. This variant has not been reported in the literature in individuals affected with EIF2AK1-related conditions. The frequency data for this variant in the population databases is considered unreliable, as metrics indicate poor data quality at this position in the gnomAD database. This sequence change replaces glycine, which is neutral and non-polar, with valine, which is neutral and non-polar, at codon 268 of the EIF2AK1 protein (p.Gly268Val).

NM_014413.4(EIF2AK1):c.803G>T (p.Gly268Val)

Gene: EIF2AK1 (eukaryotic translation initiation factor 2 alpha kinase 1; minus strand). Cytogenetic location: 7p22.1.
Variant type: single nucleotide variant.
Coding change: c.803G>T on transcript NM_014413.4 (MANE Select); coding-DNA position 803, G replaced by T.
Protein change: p.Gly268Val; replaces glycine 268 with valine.
Molecular consequence: missense variant.
Genome position (GRCh38, 1-based): chr7:6,041,208, C>A on the plus strand (G>T on the coding strand, the complement: EIF2AK1 is on the minus strand). VCF-style: chr7-6041208-C-A. GRCh37 (hg19) VCF-style: chr7-6080839-C-A.
Other names: c.800G>T, p.Gly267Val (NM_001134335.2); c.803G>T (NM_014413.3); short protein forms G268V, G267V.
Identifiers: ClinVar variation 1922039 (VCV001922039.6), dbSNP rs866192500, ClinGen allele CA153252057.